The following is an entry in ClinVar:

NM_006080.3(SEMA3A):c.1922A>T (p.Gln641Leu)

Gene: SEMA3A (semaphorin 3A; minus strand). Cytogenetic location: 7q21.11.
Variant type: single nucleotide variant.
Coding change: c.1922A>T on transcript NM_006080.3 (MANE Select); coding-DNA position 1922, A replaced by T.
Protein change: p.Gln641Leu; replaces glutamine 641 with leucine.
Molecular consequence: missense variant.
Genome position (GRCh38, 1-based): chr7:83,961,765, T>A on the plus strand (A>T on the coding strand, the complement: SEMA3A is on the minus strand). VCF-style: chr7-83961765-T-A. GRCh37 (hg19) VCF-style: chr7-83591081-T-A.
Other names: short protein forms Q641L.
Identifiers: ClinVar variation 2320438 (VCV002320438.5), dbSNP rs749954349, ClinGen allele CA4322572.

ClinVar aggregate classification (germline): Uncertain significance. Review status: criteria provided, single submitter (1 of 4 stars). 2 submissions from 2 submitters: Uncertain significance (1). 1 of the submissions does not count toward it. Last evaluated 2026-05-11.

Conditions:
Inborn genetic diseases. Identifiers: MedGen C0950123, MeSH D030342.
SEMA3A-related disorder. Also called: SEMA3A-related condition.

Allele frequency attached by ClinVar (database versions not stated): TOPMed 0.00006; ExAC 0.00001; gnomAD exomes 0.00001; gnomAD 0.00003.
gnomAD v4.1: 11 of 1,613,918 alleles (0.00068%); highest among the groups gnomAD compares: African/African-American, 0.0053%; no homozygotes.

Submissions (2):

Ambry Genetics
Classification: Uncertain significance for Inborn genetic diseases. Last evaluated: 2026-05-11. Review status: criteria provided, single submitter. Criteria: Ambry Variant Classification Scheme 2023. Collection method: clinical testing. Allele origin: germline.

PreventionGenetics, part of Exact Sciences
Classification: Uncertain significance for SEMA3A-related condition. Last evaluated: 2024-01-10. Review status: no assertion criteria provided. Collection method: clinical testing. Allele origin: germline. Not counted in ClinVar's aggregate classification.
Comment: The SEMA3A c.1922A>T variant is predicted to result in the amino acid substitution p.Gln641Leu. To our knowledge, this variant has not been reported in the literature. This variant is reported in 0.0028% of alleles in individuals of Latino descent in gnomAD. At this time, the clinical significance of this variant is uncertain due to the absence of conclusive functional and genetic evidence.